The following is an entry in ClinVar:

ClinVar aggregate classification (germline): Likely benign (1 of 4 stars; one submission).

Allele frequency attached by ClinVar (database versions not stated): TOPMed below 0.00001; gnomAD 0.00002; 1000 Genomes Project 30x 0.00016; 1000 Genomes Project 0.00020.
gnomAD v4.1: 11 of 1,614,084 alleles (0.00068%); highest among the groups gnomAD compares: East Asian, 0.0045%; no homozygotes.

Submission:

CeGaT Center for Human Genetics Tuebingen
Classification: Likely benign. Last evaluated: 2023-02-01. Review status: criteria provided, single submitter. Criteria: CeGaT Center For Human Genetics Tuebingen Variant Classification Criteria Version 2. Collection method: clinical testing. Allele origin: germline. Affected: yes. Observed: 1 variant allele.
Comment: ITIH5: BP4, BP7

NM_030569.7(ITIH5):c.1380C>T (p.Arg460=)

Gene: ITIH5 (inter-alpha-trypsin inhibitor heavy chain 5; minus strand). Cytogenetic location: 10p14.
Variant type: single nucleotide variant.
Coding change: c.1380C>T on transcript NM_030569.7 (MANE Select); coding-DNA position 1380, C replaced by T.
Protein change: p.Arg460=; no amino-acid change (arginine 460 retained).
Molecular consequence: synonymous variant.
Genome position (GRCh38, 1-based): chr10:7,579,793, G>A on the plus strand (C>T on the coding strand, the complement: ITIH5 is on the minus strand). VCF-style: chr10-7579793-G-A. GRCh37 (hg19) VCF-style: chr10-7621756-G-A.
Other names: c.1380C>T, p.Arg460= (NM_001001851.3); c.738C>T, p.Arg246= (NM_032817.6).
Identifiers: ClinVar variation 2640293 (VCV002640293.24), dbSNP rs545560919, ClinGen allele CA5401247.